The following is an entry in ClinVar:

NM_001195263.2(PDZD7):c.1905G>A (p.Glu635=)

Gene: PDZD7 (PDZ domain containing 7; minus strand). Cytogenetic location: 10q24.31.
Variant type: single nucleotide variant.
Coding change: c.1905G>A on transcript NM_001195263.2 (MANE Select); coding-DNA position 1905, G replaced by A.
Protein change: p.Glu635=; no amino-acid change (glutamic acid 635 retained).
Molecular consequence: synonymous variant.
Genome position (GRCh38, 1-based): chr10:101,011,953, C>T on the plus strand (G>A on the coding strand, the complement: PDZD7 is on the minus strand). VCF-style: chr10-101011953-C-T. GRCh37 (hg19) VCF-style: chr10-102771710-C-T.
Identifiers: ClinVar variation 667151 (VCV000667151.20), dbSNP rs546907305, ClinGen allele CA5654025.

ClinVar aggregate classification (germline): Benign/Likely benign. Review status: criteria provided, multiple submitters, no conflicts (2 of 4 stars). 5 submissions from 5 submitters: Benign (1); Likely benign (4). Last evaluated 2026-01-20.

Conditions:
PDZD7-related disorder. Also called: PDZD7-related condition; PDZD7-related disorders.

Allele frequency attached by ClinVar (database versions not stated): ExAC 0.00014; gnomAD exomes 0.00039; TOPMed 0.00173; gnomAD 0.00204; 1000 Genomes Project 0.00439; 1000 Genomes Project 30x 0.00484.

Submissions (5):

Labcorp Genetics (formerly Invitae), Labcorp
Classification: Benign. Last evaluated: 2026-01-20. Review status: criteria provided, single submitter. Criteria: Invitae Variant Classification Sherloc (09022015). Collection method: clinical testing. Allele origin: germline.

PreventionGenetics, part of Exact Sciences
Classification: Likely benign for PDZD7-related condition. Last evaluated: 2026-01-02. Review status: criteria provided, single submitter. Criteria: ACMG Guidelines, 2015. Collection method: clinical testing. Allele origin: germline.
Comment: This variant is classified as likely benign based on ACMG/AMP sequence variant interpretation guidelines (Richards et al. 2015 PMID: 25741868, with internal and published modifications).

Blueprint Genetics
Classification: Likely benign. Last evaluated: 2024-09-02. Review status: criteria provided, single submitter. Criteria: ACMG Guidelines, 2015. Collection method: clinical testing. Allele origin: germline.

GeneDx
Classification: Likely benign. Last evaluated: 2020-04-13. Review status: criteria provided, single submitter. Criteria: GeneDx Variant Classification Process June 2021. Collection method: clinical testing. Allele origin: germline. Affected: yes.

Laboratory for Molecular Medicine, Mass General Brigham Personalized Medicine
Classification: Likely benign. Last evaluated: 2017-08-23. Review status: criteria provided, single submitter. Criteria: LMM Criteria. Collection method: clinical testing. Allele origin: germline. Observed: 1 variant allele.
Comment: p.Glu635Glu in exon 13 of PDZD7: This variant is not expected to have clinical s ignificance because it does not alter an amino acid residue and is not located w ithin the splice consensus sequence. It has been identified in 0.22% (2/906) of African chromosomes by the Exome Aggregation Consortium (ExAC; dbSNP rs546907305).